The following is an entry in ClinVar:

NM_000377.3(WAS):c.919A>G (p.Met307Val)

Gene: WAS (WASP actin nucleation promoting factor; plus strand). Cytogenetic location: Xp11.23.
Variant type: single nucleotide variant.
Coding change: c.919A>G on transcript NM_000377.3 (MANE Select); coding-DNA position 919, A replaced by G.
Protein change: p.Met307Val; replaces methionine 307 with valine.
Molecular consequence: missense variant.
Genome position (GRCh38, 1-based): chrX:48,688,441, A>G. VCF-style: chrX-48688441-A-G. GRCh37 (hg19) VCF-style: chrX-48546830-A-G.
Other names: short protein forms M307V.
Identifiers: ClinVar variation 2925671 (VCV002925671.5), dbSNP rs1557007056, ClinGen allele CA412872531.

ClinVar aggregate classification (germline): Conflicting classifications of pathogenicity. Review status: criteria provided, conflicting classifications (1 of 4 stars). 3 submissions from 3 submitters: Pathogenic (1); Uncertain significance (2). Last evaluated 2025-05-19.

Conditions:
Bleeding and platelet disorders.
Wiskott-Aldrich syndrome (WAS). Also called: ALDRICH SYNDROME; IMMUNODEFICIENCY 2; WISKOTT-ALDRICH SYNDROME 1; Wiskott-aldrich syndrome, somatic. Identifiers: Orphanet 906, MedGen C0043194, MONDO:0010518, OMIM 301000.
X-linked severe congenital neutropenia (SCNX). Identifiers: Orphanet 86788, MedGen C1845987, MONDO:0010294, OMIM 300299.
Thrombocytopenia 1. Also called: THROMBOCYTOPENIA, X-LINKED, 1; X-linked thrombocytopenia with normal platelets; X-Linked Thrombocytopenia (XLT). Identifiers: Orphanet 268322, Orphanet 852, MedGen C1839163, MONDO:0010743, OMIM 313900.

Allele frequency attached by ClinVar (database versions not stated): gnomAD exomes below 0.00001.
gnomAD v4.1: 1 of 1,210,694 alleles (0.000083%); highest among the groups gnomAD compares: Non-Finnish European, 0.00011%; no homozygotes.

Submissions (3):

Revvity Omics, Revvity
Classification: Uncertain significance. Last evaluated: 2025-05-19. Review status: criteria provided, single submitter. Criteria: ACMG Guidelines, 2015. Collection method: clinical testing. Allele origin: germline.

North West Genomic Laboratory Hub, Manchester University NHS Foundation Trust
Classification: Pathogenic for Bleeding and platelet disorders. Last evaluated: 2025-03-27. Review status: criteria provided, single submitter. Criteria: ACGS Best Practice Guidelines for Variant Classification in Rare Disease 2024. Collection method: clinical testing. Allele origin: germline. Affected: yes.
Comment: PVS1_VStr PS4_Supp PM2_Mod

Labcorp Genetics (formerly Invitae), Labcorp
Classification: Uncertain significance for Wiskott-Aldrich syndrome; X-linked severe congenital neutropenia; Thrombocytopenia 1. Last evaluated: 2023-10-23. Review status: criteria provided, single submitter. Criteria: Invitae Variant Classification Sherloc (09022015). Collection method: clinical testing. Allele origin: germline.
Comment: This sequence change replaces methionine, which is neutral and non-polar, with valine, which is neutral and non-polar, at codon 307 of the WAS protein (p.Met307Val). The frequency data for this variant in the population databases is considered unreliable, as metrics indicate poor data quality at this position in the gnomAD database. This missense change has been observed in individuals with clinical features of Wiskott-Aldrich syndrome (PMID: 7579347, 19817875; Invitae). Advanced modeling of protein sequence and biophysical properties (such as structural, functional, and spatial information, amino acid conservation, physicochemical variation, residue mobility, and thermodynamic stability) performed at Invitae indicates that this missense variant is expected to disrupt WAS protein function with a positive predictive value of 80%. Experimental studies have shown that this missense change affects WAS function (PMID: 7579347). Algorithms developed to predict the effect of sequence changes on RNA splicing suggest that this variant may disrupt the consensus splice site. In summary, the available evidence is currently insufficient to determine the role of this variant in disease. Therefore, it has been classified as a Variant of Uncertain Significance.

Literature cited by the submitters: PubMed 7579347 (cited by Labcorp Genetics (formerly Invitae), Labcorp); PubMed 19817875 (cited by Labcorp Genetics (formerly Invitae), Labcorp).